The following is an entry in ClinVar:

ClinVar aggregate classification (germline): Uncertain significance (1 of 4 stars; one submission).

Conditions:
Neurofibromatosis, type 1 (NF1). Also called: VON RECKLINGHAUSEN DISEASE; Neurofibromatosis, type I; Peripheral type neurofibromatosis; NEUROFIBROMATOSIS, TYPE I, SOMATIC. Identifiers: Orphanet 636, MedGen C0027831, MONDO:0018975, OMIM 162200. Disease mechanism: loss of function.

Allele frequency attached by ClinVar (database versions not stated): TOPMed below 0.00001.

Submission:

Labcorp Genetics (formerly Invitae), Labcorp
Classification: Uncertain significance for Neurofibromatosis, type 1. Last evaluated: 2023-03-29. Review status: criteria provided, single submitter. Criteria: Invitae Variant Classification Sherloc (09022015). Collection method: clinical testing. Allele origin: germline.
Comment: In summary, the available evidence is currently insufficient to determine the role of this variant in disease. Therefore, it has been classified as a Variant of Uncertain Significance. Advanced modeling of protein sequence and biophysical properties (such as structural, functional, and spatial information, amino acid conservation, physicochemical variation, residue mobility, and thermodynamic stability) has been performed at Invitae for this missense variant, however the output from this modeling did not meet the statistical confidence thresholds required to predict the impact of this variant on NF1 protein function. This sequence change replaces glutamine, which is neutral and polar, with histidine, which is basic and polar, at codon 1315 of the NF1 protein (p.Gln1315His). This variant is not present in population databases (gnomAD no frequency). This variant has not been reported in the literature in individuals affected with NF1-related conditions.

NM_001042492.3(NF1):c.3945A>C (p.Gln1315His)

Gene: NF1 (neurofibromin 1; plus strand). Cytogenetic location: 17q11.2.
Variant type: single nucleotide variant.
Coding change: c.3945A>C on transcript NM_001042492.3 (MANE Select); coding-DNA position 3945, A replaced by C.
Protein change: p.Gln1315His; replaces glutamine 1315 with histidine.
Molecular consequence: missense variant.
Genome position (GRCh38, 1-based): chr17:31,235,992, A>C. VCF-style: chr17-31235992-A-C. GRCh37 (hg19) VCF-style: chr17-29563010-A-C.
Other names: c.3945A>C, p.Gln1315His (NM_000267.4); short protein forms Q1315H.
Identifiers: ClinVar variation 2850585 (VCV002850585.3), dbSNP rs1365148212, ClinGen allele CA398993244.